The following is an entry in ClinVar:

NM_015295.3(SMCHD1):c.302A>G (p.Gln101Arg)

Gene: SMCHD1 (structural maintenance of chromosomes flexible hinge domain containing 1; plus strand). Cytogenetic location: 18p11.32.
Variant type: single nucleotide variant.
Coding change: c.302A>G on transcript NM_015295.3 (MANE Select); coding-DNA position 302, A replaced by G.
Protein change: p.Gln101Arg; replaces glutamine 101 with arginine.
Molecular consequence: missense variant.
Genome position (GRCh38, 1-based): chr18:2,666,909, A>G. VCF-style: chr18-2666909-A-G. GRCh37 (hg19) VCF-style: chr18-2666908-A-G.
Other names: short protein forms Q101R.
Identifiers: ClinVar variation 1721902 (VCV001721902.5), dbSNP rs1326749819, ClinGen allele CA401687755.

ClinVar aggregate classification (germline): Uncertain significance (1 of 4 stars; one submission).

Conditions:
Facioscapulohumeral muscular dystrophy 2 (FSHD2). Also called: MUSCULAR DYSTROPHY, FACIOSCAPULOHUMERAL, TYPE 1B; FACIOSCAPULOHUMERAL MUSCULAR DYSTROPHY 2, DIGENIC; FSHD2, DIGENIC. Identifiers: Orphanet 269, MedGen C1834671, MONDO:0008031, OMIM 158901.

gnomAD v4.1: 1 of 1,613,508 alleles (0.000062%); highest among the groups gnomAD compares: Non-Finnish European, 0.000085%; no homozygotes.

Submission:

Labcorp Genetics (formerly Invitae), Labcorp
Classification: Uncertain significance for Facioscapulohumeral muscular dystrophy 2. Last evaluated: 2022-10-19. Review status: criteria provided, single submitter. Criteria: Invitae Variant Classification Sherloc (09022015). Collection method: clinical testing. Allele origin: germline.
Comment: In summary, the available evidence is currently insufficient to determine the role of this variant in disease. Therefore, it has been classified as a Variant of Uncertain Significance. Advanced modeling of protein sequence and biophysical properties (such as structural, functional, and spatial information, amino acid conservation, physicochemical variation, residue mobility, and thermodynamic stability) performed at Invitae indicates that this missense variant is not expected to disrupt SMCHD1 protein function. This variant has not been reported in the literature in individuals affected with SMCHD1-related conditions. This variant is not present in population databases (gnomAD no frequency). This sequence change replaces glutamine, which is neutral and polar, with arginine, which is basic and polar, at codon 101 of the SMCHD1 protein (p.Gln101Arg).